The following is an entry in ClinVar:

ClinVar aggregate classification (germline): Uncertain significance (1 of 4 stars; one submission).

Conditions:
Granulomatous disease, chronic, autosomal recessive, cytochrome b-negative. Also called: GRANULOMATOUS DISEASE, CHRONIC, AUTOSOMAL RECESSIVE, 4; Chronic granulomatous disease, autosomal, due to deficiency of CYBA; CGD DUE TO DEFICIENCY OF THE ALPHA SUBUNIT OF CYTOCHROME b; CGD, AUTOSOMAL RECESSIVE CYTOCHROME b-NEGATIVE; CYBA DEFICIENCY. Identifiers: Orphanet 379, MedGen C1856255, MONDO:0009308, OMIM 233690.

gnomAD v4.1: 7 of 1,612,914 alleles (0.00043%); highest among the groups gnomAD compares: Non-Finnish European, 0.00042%; no homozygotes.

Submission:

Labcorp Genetics (formerly Invitae), Labcorp
Classification: Uncertain significance for Granulomatous disease, chronic, autosomal recessive, cytochrome b-negative. Last evaluated: 2022-02-05. Review status: criteria provided, single submitter. Criteria: Invitae Variant Classification Sherloc (09022015). Collection method: clinical testing. Allele origin: germline.
Comment: This sequence change replaces glycine, which is neutral and non-polar, with alanine, which is neutral and non-polar, at codon 39 of the CYBA protein (p.Gly39Ala). The frequency data for this variant in the population databases is considered unreliable, as metrics indicate poor data quality at this position in the gnomAD database. This variant has not been reported in the literature in individuals affected with CYBA-related conditions. Algorithms developed to predict the effect of missense changes on protein structure and function are either unavailable or do not agree on the potential impact of this missense change (SIFT: "Tolerated"; PolyPhen-2: "Possibly Damaging"; Align-GVGD: "Class C0"). In summary, the available evidence is currently insufficient to determine the role of this variant in disease. Therefore, it has been classified as a Variant of Uncertain Significance.

NM_000101.4(CYBA):c.116G>C (p.Gly39Ala)

Gene: CYBA (cytochrome b-245 alpha chain; minus strand). Cytogenetic location: 16q24.2.
Variant type: single nucleotide variant.
Coding change: c.116G>C on transcript NM_000101.4 (MANE Select); coding-DNA position 116, G replaced by C.
Protein change: p.Gly39Ala; replaces glycine 39 with alanine.
Molecular consequence: missense variant.
Genome position (GRCh38, 1-based): chr16:88,648,057, C>G on the plus strand (G>C on the coding strand, the complement: CYBA is on the minus strand). VCF-style: chr16-88648057-C-G. GRCh37 (hg19) VCF-style: chr16-88714465-C-G.
Other names: short protein forms G39A.
Identifiers: ClinVar variation 2141703 (VCV002141703.1), dbSNP rs774384826, ClinGen allele CA8228445.
Genomic context (GRCh38, chr16:88,648,057, plus strand): 5'-TCTGCCCTGGGCGTTCCCCGCCCACCCCAGCCTCAGGTGGAAGGATACATGGAGTAGGCA[C>G]CAAAGTACCACTGGGTGAAGCGCCCAGCTGTGGCCACGATGCCCCCGGTGATGAGGACTG-3'
Protein context (NP_000092.2, residues 29-49): TAGRFTQWYF[Gly39Ala]AYSIVAGVFV